The following is an entry in ClinVar:

NM_000399.5(EGR2):c.1309G>A (p.Ala437Thr)

Gene: EGR2 (early growth response 2; minus strand). Cytogenetic location: 10q21.3.
Variant type: single nucleotide variant.
Coding change: c.1309G>A on transcript NM_000399.5 (MANE Select); coding-DNA position 1309, G replaced by A.
Protein change: p.Ala437Thr; replaces alanine 437 with threonine.
Molecular consequence: missense variant.
Genome position (GRCh38, 1-based): chr10:62,813,329, C>T on the plus strand (G>A on the coding strand, the complement: EGR2 is on the minus strand). VCF-style: chr10-62813329-C-T. GRCh37 (hg19) VCF-style: chr10-64573089-C-T.
Other names: c.1309G>A, p.Ala437Thr (NM_001136177.3, NM_001136178.2); c.1159G>A, p.Ala387Thr (NM_001136179.3, NM_001321037.2); short protein forms A437T, A387T.
Identifiers: ClinVar variation 452607 (VCV000452607.2), dbSNP rs1554853000, ClinGen allele CA377027130.
Genomic context (GRCh38, chr10:62,813,329, plus strand): 5'-TACTGCTGCACAGGGTACCCCCAGGCTGCACGCCCCCAGAGCAGGAGGCTGTAGAGGGGG[C>T]TGGCACCGATGCAGAGGGGGCACTGCTTTTCCGCTCTTTCTGTCTCAGGTGGATCTTGGT-3'
Protein context (NP_000390.2, residues 427-447): KSSAPSASVP[Ala437Thr]PSTASCSGGV

ClinVar aggregate classification (germline): Uncertain significance (1 of 4 stars; one submission).

Allele frequency attached by ClinVar (database versions not stated): gnomAD exomes below 0.00001.
gnomAD v4.1: 2 of 1,587,862 alleles (0.00013%); highest among the groups gnomAD compares: Non-Finnish European, 0.00017%; no homozygotes.

Submission:

GeneDx
Classification: Uncertain significance. Last evaluated: 2017-10-12. Review status: criteria provided, single submitter. Criteria: GeneDx Variant Classification (06012015). Collection method: clinical testing. Allele origin: germline. Affected: yes.
Comment: The A437T variant has not been published as a pathogenic variant, nor has it been reported as a benign variant to our knowledge. The A437T variant is not observed in large population cohorts (Lek et al., 2016). The A437T variant is a non-conservative amino acid substitution, which is likely to impact secondary protein structure as these residues differ in polarity, charge, size and/or other properties. However, this substitution occurs at a position that is not conserved, and in silico analysis predicts this variant likely does not alter the protein structure/function. Therefore, based on the currently available information, it is unclear whether this variant is a pathogenic variant or a rare benign variant.